The following is an entry in ClinVar:

ClinVar aggregate classification (germline): Uncertain significance (1 of 4 stars; one submission).

Submission:

Labcorp Genetics (formerly Invitae), Labcorp
Classification: Uncertain significance. Last evaluated: 2022-10-03. Review status: criteria provided, single submitter. Criteria: Invitae Variant Classification Sherloc (09022015). Collection method: clinical testing. Allele origin: germline.
Comment: In summary, the available evidence is currently insufficient to determine the role of this variant in disease. Therefore, it has been classified as a Variant of Uncertain Significance. Advanced modeling of protein sequence and biophysical properties (such as structural, functional, and spatial information, amino acid conservation, physicochemical variation, residue mobility, and thermodynamic stability) performed at Invitae indicates that this missense variant is not expected to disrupt POLA1 protein function. This variant has not been reported in the literature in individuals affected with POLA1-related conditions. This variant is not present in population databases (gnomAD no frequency). This sequence change replaces phenylalanine, which is neutral and non-polar, with leucine, which is neutral and non-polar, at codon 1440 of the POLA1 protein (p.Phe1440Leu).

NM_001330360.2(POLA1):c.4338C>A (p.Phe1446Leu)

Gene: POLA1 (DNA polymerase alpha 1, catalytic subunit; plus strand). Cytogenetic location: Xp21.3.
Variant type: single nucleotide variant.
Coding change: c.4338C>A on transcript NM_001330360.2 (MANE Select); coding-DNA position 4338, C replaced by A.
Protein change: p.Phe1446Leu; replaces phenylalanine 1446 with leucine.
Molecular consequence: missense variant. On other transcripts: non-coding transcript variant (2).
Genome position (GRCh38, 1-based): chrX:24,995,881, C>A. VCF-style: chrX-24995881-C-A. GRCh37 (hg19) VCF-style: chrX-25013998-C-A.
Other names: c.4263C>A, p.Phe1421Leu (NM_001378303.1); c.4320C>A, p.Phe1440Leu (NM_016937.4); short protein forms F1421L, F1440L, F1446L.
Identifiers: ClinVar variation 2068345 (VCV002068345.4), dbSNP rs2519087336, ClinGen allele CA412609612.